The following is an entry in ClinVar:

NM_002579.3(PALM):c.844G>A (p.Glu282Lys)

Gene: PALM (paralemmin; plus strand). Cytogenetic location: 19p13.3.
Variant type: single nucleotide variant.
Coding change: c.844G>A on transcript NM_002579.3 (MANE Select); coding-DNA position 844, G replaced by A.
Protein change: p.Glu282Lys; replaces glutamic acid 282 with lysine.
Molecular consequence: missense variant.
Genome position (GRCh38, 1-based): chr19:746,494, G>A. VCF-style: chr19-746494-G-A. GRCh37 (hg19) VCF-style: chr19-746494-G-A.
Other names: c.712G>A, p.Glu238Lys (NM_001040134.2); short protein forms E238K, E282K.
Identifiers: ClinVar variation 2985690 (VCV002985690.3), dbSNP rs1280105479, ClinGen allele CA402890965.

ClinVar aggregate classification (germline): Uncertain significance (1 of 4 stars; one submission).

Allele frequency attached by ClinVar (database versions not stated): gnomAD exomes below 0.00001; gnomAD 0.00001; TOPMed 0.00001.
gnomAD v4.1: 4 of 1,611,622 alleles (0.00025%); highest among the groups gnomAD compares: African/African-American, 0.004%; no homozygotes.

Submission:

Labcorp Genetics (formerly Invitae), Labcorp
Classification: Uncertain significance. Last evaluated: 2023-06-27. Review status: criteria provided, single submitter. Criteria: Invitae Variant Classification Sherloc (09022015). Collection method: clinical testing. Allele origin: germline.
Comment: In summary, the available evidence is currently insufficient to determine the role of this variant in disease. Therefore, it has been classified as a Variant of Uncertain Significance. An algorithm developed to predict the effect of missense changes on protein structure and function (PolyPhen-2) suggests that this variant is likely to be disruptive. This variant has not been reported in the literature in individuals affected with PALM-related conditions. This variant is present in population databases (no rsID available, gnomAD 0.007%). This sequence change replaces glutamic acid, which is acidic and polar, with lysine, which is basic and polar, at codon 282 of the PALM protein (p.Glu282Lys).